The following is an entry in ClinVar:

ClinVar aggregate classification (germline): Uncertain significance (1 of 4 stars; one submission).

Conditions:
FLNA-related disorder.

Submission:

PreventionGenetics, part of Exact Sciences
Classification: Uncertain significance for FLNA-related condition. Last evaluated: 2022-12-27. Review status: criteria provided, single submitter. Criteria: ACMG Guidelines, 2015. Collection method: clinical testing. Allele origin: germline.
Comment: The FLNA c.1418C>T variant is predicted to result in the amino acid substitution p.Thr473Ile. To our knowledge, this variant has not been reported in the literature or in a large population database, indicating this variant is rare. At this time, the clinical significance of this variant is uncertain due to the absence of conclusive functional and genetic evidence.

NM_001110556.2(FLNA):c.1418C>T (p.Thr473Ile)

Gene: FLNA (filamin A; minus strand). Cytogenetic location: Xq28.
Variant type: single nucleotide variant.
Coding change: c.1418C>T on transcript NM_001110556.2 (MANE Select); coding-DNA position 1418, C replaced by T.
Protein change: p.Thr473Ile; replaces threonine 473 with isoleucine.
Molecular consequence: missense variant.
Genome position (GRCh38, 1-based): chrX:154,366,035, G>A on the plus strand (C>T on the coding strand, the complement: FLNA is on the minus strand). VCF-style: chrX-154366035-G-A. GRCh37 (hg19) VCF-style: chrX-153594403-G-A.
Other names: c.1418C>T, p.Thr473Ile (NM_001456.4); short protein forms T473I.
Identifiers: ClinVar variation 2629686 (VCV002629686.1), dbSNP rs2522759511, ClinGen allele CA415243621.